The following is an entry in ClinVar:

ClinVar aggregate classification (germline): Uncertain significance. Review status: criteria provided, multiple submitters, no conflicts (2 of 4 stars). 2 submissions from 2 submitters: Uncertain significance (2). Last evaluated 2026-06-29.

Conditions:
Cystic fibrosis (CF). Also called: MUCOVISCIDOSIS. Identifiers: Orphanet 586, MedGen C0010674, MONDO:0009061, OMIM 219700. Disease mechanism: loss of function.

Allele frequency attached by ClinVar (database versions not stated): TOPMed below 0.00001; gnomAD 0.00001.

Submissions (2):

Ambry Genetics
Classification: Uncertain significance for Cystic fibrosis. Last evaluated: 2026-06-29. Review status: criteria provided, single submitter. Criteria: Ambry Variant Classification Scheme 2023. Collection method: clinical testing. Allele origin: germline.
Comment: The p.Q1476R variant (also known as c.4427A>G), located in coding exon 27 of the CFTR gene, results from an A to G substitution at nucleotide position 4427. The glutamine at codon 1476 is replaced by arginine, an amino acid with highly similar properties. This amino acid position is well conserved in available vertebrate species. In addition, the in silico prediction for this alteration is inconclusive. Based on the available evidence, the clinical significance of this variant remains unclear.

Labcorp Genetics (formerly Invitae), Labcorp
Classification: Uncertain significance for Cystic fibrosis. Last evaluated: 2024-12-09. Review status: criteria provided, single submitter. Criteria: Invitae Variant Classification Sherloc (09022015). Collection method: clinical testing. Allele origin: germline.
Comment: This sequence change replaces glutamine, which is neutral and polar, with arginine, which is basic and polar, at codon 1476 of the CFTR protein (p.Gln1476Arg). This variant is not present in population databases (gnomAD no frequency). This variant has not been reported in the literature in individuals affected with CFTR-related conditions. ClinVar contains an entry for this variant (Variation ID: 1449696). Invitae Evidence Modeling of protein sequence and biophysical properties (such as structural, functional, and spatial information, amino acid conservation, physicochemical variation, residue mobility, and thermodynamic stability) indicates that this missense variant is expected to disrupt CFTR protein function with a positive predictive value of 95%. Algorithms developed to predict the effect of sequence changes on RNA splicing suggest that this variant may create or strengthen a splice site. In summary, the available evidence is currently insufficient to determine the role of this variant in disease. Therefore, it has been classified as a Variant of Uncertain Significance.

NM_000492.4(CFTR):c.4427A>G (p.Gln1476Arg)

Genes: CFTR (CF transmembrane conductance regulator; plus strand), LOC111674477 (CFTR intron 23 enhancer; plus strand). Cytogenetic location: 7q31.2.
Variant type: single nucleotide variant.
Coding change: c.4427A>G on transcript NM_000492.4 (MANE Select); coding-DNA position 4427, A replaced by G.
Protein change: p.Gln1476Arg; replaces glutamine 1476 with arginine.
Molecular consequence: missense variant.
Genome position (GRCh38, 1-based): chr7:117,667,092, A>G. VCF-style: chr7-117667092-A-G. GRCh37 (hg19) VCF-style: chr7-117307146-A-G.
Other names: c.4427A>G (NM_000492.3); short protein forms Q1476R.
Identifiers: ClinVar variation 1449696 (VCV001449696.6), dbSNP rs1793396213, ClinGen allele CA368985383.